The following is an entry in ClinVar:

ClinVar aggregate classification (germline): Uncertain significance (1 of 4 stars; one submission).

Conditions:
Dilated cardiomyopathy 1W (CMD1W). Identifiers: Orphanet 154, MedGen C1969639, MONDO:0012667, OMIM 611407.

Submission:

Labcorp Genetics (formerly Invitae), Labcorp
Classification: Uncertain significance for Dilated cardiomyopathy 1W. Last evaluated: 2022-07-13. Review status: criteria provided, single submitter. Criteria: Invitae Variant Classification Sherloc (09022015). Collection method: clinical testing. Allele origin: germline.
Comment: This variant has not been reported in the literature in individuals affected with VCL-related conditions. Algorithms developed to predict the effect of missense changes on protein structure and function are either unavailable or do not agree on the potential impact of this missense change (SIFT: "Not Available"; PolyPhen-2: "Benign"; Align-GVGD: "Not Available"). Algorithms developed to predict the effect of sequence changes on RNA splicing suggest that this variant may disrupt the consensus splice site. In summary, the available evidence is currently insufficient to determine the role of this variant in disease. Therefore, it has been classified as a Variant of Uncertain Significance. This variant is not present in population databases (gnomAD no frequency). This sequence change replaces lysine, which is basic and polar, with arginine, which is basic and polar, at codon 983 of the VCL protein (p.Lys983Arg).

NM_014000.3(VCL):c.2948A>G (p.Lys983Arg)

Gene: VCL (vinculin; plus strand). Cytogenetic location: 10q22.2.
Variant type: single nucleotide variant.
Coding change: c.2948A>G on transcript NM_014000.3 (MANE Select); coding-DNA position 2948, A replaced by G.
Protein change: p.Lys983Arg; replaces lysine 983 with arginine.
Molecular consequence: missense variant. On other transcripts: intron variant (1).
Genome position (GRCh38, 1-based): chr10:74,112,111, A>G. VCF-style: chr10-74112111-A-G. GRCh37 (hg19) VCF-style: chr10-75871869-A-G.
Other names: c.2746-2073A>G (NM_003373.4); short protein forms K983R.
Identifiers: ClinVar variation 2164458 (VCV002164458.4), dbSNP rs969075082, ClinGen allele CA377264956.